The following is an entry in ClinVar:

NM_006258.4(PRKG1):c.449A>C (p.Asp150Ala)

Gene: PRKG1 (protein kinase cGMP-dependent 1; plus strand). Cytogenetic location: 10q21.1.
Variant type: single nucleotide variant.
Coding change: c.449A>C on transcript NM_006258.4 (MANE Select); coding-DNA position 449, A replaced by C.
Protein change: p.Asp150Ala; replaces aspartic acid 150 with alanine.
Molecular consequence: missense variant.
Genome position (GRCh38, 1-based): chr10:51,153,301, A>C. VCF-style: chr10-51153301-A-C. GRCh37 (hg19) VCF-style: chr10-52913061-A-C.
Other names: c.404A>C, p.Asp135Ala (NM_001098512.3, LRG_1135t2); c.449A>C, p.Asp150Ala (LRG_1135t1); short protein forms D135A, D150A.
Identifiers: ClinVar variation 544057 (VCV000544057.9), dbSNP rs775427696, ClinGen allele CA5503127.

ClinVar aggregate classification (germline): Uncertain significance. Review status: criteria provided, multiple submitters, no conflicts (2 of 4 stars). 4 submissions from 4 submitters: Uncertain significance (4). Last evaluated 2026-06-26.

Conditions:
Aortic aneurysm, familial thoracic 8 (AAT8). Identifiers: MedGen C3809513, MONDO:0014187, OMIM 615436.

Allele frequency attached by ClinVar (database versions not stated): gnomAD exomes 0.00002; TOPMed 0.00003; ExAC 0.00001; gnomAD 0.00001.
gnomAD v4.1: 51 of 1,611,572 alleles (0.0032%); highest among the groups gnomAD compares: Non-Finnish European, 0.0042%; no homozygotes.

Submissions (4):

Victorian Clinical Genetics Services, Murdoch Childrens Research Institute
Classification: Uncertain significance for Aortic aneurysm, familial thoracic 8. Last evaluated: 2026-06-26. Review status: criteria provided, single submitter. Criteria: ACMG Guidelines, 2015. Collection method: clinical testing. Allele origin: germline. Affected: yes.
Comment: This variant is classified as VUS-3B. Evidence in support of pathogenic classification: Variant is present in gnomAD <0.001 for a dominant condition (v4: 51 heterozygote(s), 0 homozygote(s)); Missense variant predicted to be damaging by in silico tool(s) or highly conserved with a major amino acid change. Additional information: Variant is predicted to result in a missense amino acid change from Asp to Ala; This variant is non-coding in an alternative transcript. This variant is non-coding in the shorter transcript, NM_001374781, that is well expressed in the relevant tissues (GTEx). - This variant is heterozygous; This gene is associated with autosomal dominant disease; Alternative amino acid changes at the same position are present in gnomAD (highest allele count: v4: 1 heterozygote(s), 0 homozygote(s)); Previous evidence of pathogenicity for this variant is inconclusive. This variant has been reported as a VUS in an individual with aneurysm, aortic root and mitral valve insufficiency (PMID: 29907982). It has also been classified as a VUS by multiple clinical laboratories in ClinVar; No published evidence of segregation with disease has been identified for this variant; No published functional evidence has been identified for this variant; No comparable missense variants have previous evidence for pathogenicity; Variant is located in the annotated cyclic nucleotide-binding domain (DECIPHER); Gain of function is a known mechanism of disease in this gene and is associated with familial thoracic aortic aneurysm 8 (MIM#615436) (PMID: 23910461); Inheritance information for this variant is not currently available in this individual.

Labcorp Genetics (formerly Invitae), Labcorp
Classification: Uncertain significance for Aortic aneurysm, familial thoracic 8. Last evaluated: 2025-12-29. Review status: criteria provided, single submitter. Criteria: Invitae Variant Classification Sherloc (09022015). Collection method: clinical testing. Allele origin: germline.
Comment: This sequence change replaces aspartic acid, which is acidic and polar, with alanine, which is neutral and non-polar, at codon 150 of the PRKG1 protein (p.Asp150Ala). This variant is present in population databases (rs775427696, gnomAD 0.007%). This missense change has been observed in individual(s) with clinical features of PRKG1-related conditions (PMID: 29907982). This variant is also known as c.404A>C, p.Asp135Ala. ClinVar contains an entry for this variant (Variation ID: 544057). An algorithm developed to predict the effect of missense changes on protein structure and function (PolyPhen-2) suggests that this variant is likely to be tolerated. In summary, the available evidence is currently insufficient to determine the role of this variant in disease. Therefore, it has been classified as a Variant of Uncertain Significance.

Women's Health and Genetics/Laboratory Corporation of America, LabCorp
Classification: Uncertain significance. Last evaluated: 2025-07-09. Review status: criteria provided, single submitter. Criteria: LabCorp Variant Classification Summary - May 2015. Collection method: clinical testing. Allele origin: germline.
Comment: Variant summary: PRKG1 c.449A>C (p.Asp150Ala) results in a non-conservative amino acid change in the encoded protein sequence. Algorithms developed to predict the effect of missense changes on protein structure and function all suggest that this variant is likely to be disruptive. The variant allele was found at a frequency of 2.4e-05 in 249962 control chromosomes. The available data on variant occurrences in the general population are insufficient to allow any conclusion about variant significance. c.449A>C has been observed in individual(s) affected with Thoracic Aortic Disease (example: Overwater_2018). These report(s) do not provide unequivocal conclusions about association of the variant with Thoracic Aortic Aneurysms And Dissections. The following publication has been ascertained in the context of this evaluation (PMID: 29907982). ClinVar contains an entry for this variant (Variation ID: 544057). Based on the evidence outlined above, the variant was classified as uncertain significance.

GeneDx
Classification: Uncertain significance. Last evaluated: 2023-01-26. Review status: criteria provided, single submitter. Criteria: GeneDx Variant Classification Process June 2021. Collection method: clinical testing. Allele origin: germline. Affected: yes.
Comment: Identified in a patient with thoracic aortic aneurysm and aortic dissection (TAAD) (Overwater et al., 2018); In silico analysis supports that this missense variant has a deleterious effect on protein structure/function; This variant is associated with the following publications: (PMID: 29907982)

Literature cited by the submitters: PubMed 29907982 (cited by 3 submitters); PubMed 23910461 (cited by Victorian Clinical Genetics Services, Murdoch Childrens Research Institute).